The following is an entry in ClinVar:

NM_138420.4(AHNAK2):c.4020G>A (p.Val1340=)

Gene: AHNAK2 (AHNAK nucleoprotein 2; minus strand). Cytogenetic location: 14q32.33.
Variant type: single nucleotide variant.
Coding change: c.4020G>A on transcript NM_138420.4 (MANE Select); coding-DNA position 4020, G replaced by A.
Protein change: p.Val1340=; no amino-acid change (valine 1340 retained).
Molecular consequence: synonymous variant.
Genome position (GRCh38, 1-based): chr14:104,951,431, C>T on the plus strand (G>A on the coding strand, the complement: AHNAK2 is on the minus strand). VCF-style: chr14-104951431-C-T. GRCh37 (hg19) VCF-style: chr14-105417768-C-T.
Other names: c.3720G>A, p.Val1240= (NM_001350929.2).
Identifiers: ClinVar variation 3025417 (VCV003025417.22), dbSNP rs2396458, ClinGen allele CA7382693.
Genomic context (GRCh38, chr14:104,951,431, plus strand): 5'-GGCCTCCACCTTGGGTGCAGACAGGTCCACGGAGGCCTCAATGGACTTGCCTGGGGCAGA[C>T]ACCCCGAACGACGGCATCTTGAACTTGGGCATTTTGAACTTGCTGTCTTTGGCAGTCACG-3'
Protein context (NP_612429.2, residues 1330-1350): MPKFKMPSFG[Val1340=]SAPGKSIEAS

ClinVar aggregate classification (germline): Likely benign (1 of 4 stars; one submission).

Allele frequency attached by ClinVar (database versions not stated): gnomAD exomes 0.00003; 1000 Genomes Project 30x 0.00016.
gnomAD v4.1: 40 of 1,233,812 alleles (0.0032%); highest among the groups gnomAD compares: Middle Eastern, 0.025%; 10 homozygotes.

Submission:

CeGaT Center for Human Genetics Tuebingen
Classification: Likely benign. Last evaluated: 2024-03-01. Review status: criteria provided, single submitter. Criteria: CeGaT Center For Human Genetics Tuebingen Variant Classification Criteria Version 2. Collection method: clinical testing. Allele origin: germline. Affected: yes. Observed: 1 variant allele.
Comment: AHNAK2: BP4, BP7, BS2